The following is an entry in ClinVar:

ClinVar aggregate classification (germline): Uncertain significance (1 of 4 stars; one submission).

Conditions:
Familial adenomatous polyposis 1 (FAP1). Also called: POLYPOSIS, ADENOMATOUS INTESTINAL; FAMILIAL ADENOMATOUS POLYPOSIS 1, ATTENUATED. Identifiers: MedGen C2713442, MONDO:0021056, OMIM 175100. Disease mechanism: loss of function.

Submission:

Labcorp Genetics (formerly Invitae), Labcorp
Classification: Uncertain significance for Familial adenomatous polyposis 1. Last evaluated: 2023-07-06. Review status: criteria provided, single submitter. Criteria: Invitae Variant Classification Sherloc (09022015). Collection method: clinical testing. Allele origin: germline.
Comment: This sequence change replaces alanine, which is neutral and non-polar, with valine, which is neutral and non-polar, at codon 61 of the APC protein (p.Ala61Val). This variant is not present in population databases (gnomAD no frequency). This variant has not been reported in the literature in individuals affected with APC-related conditions. Advanced modeling of protein sequence and biophysical properties (such as structural, functional, and spatial information, amino acid conservation, physicochemical variation, residue mobility, and thermodynamic stability) performed at Invitae indicates that this missense variant is not expected to disrupt APC protein function. In summary, the available evidence is currently insufficient to determine the role of this variant in disease. Therefore, it has been classified as a Variant of Uncertain Significance.

NM_000038.6(APC):c.182C>T (p.Ala61Val)

Gene: APC (APC regulator of Wnt signaling pathway; plus strand). Cytogenetic location: 5q22.2.
Variant type: single nucleotide variant.
Coding change: c.182C>T on transcript NM_000038.6 (MANE Select); coding-DNA position 182, C replaced by T.
Protein change: p.Ala61Val; replaces alanine 61 with valine.
Molecular consequence: missense variant. On other transcripts: 5 prime UTR variant (4), non-coding transcript variant (2).
Genome position (GRCh38, 1-based): chr5:112,766,372, C>T. VCF-style: chr5-112766372-C-T. GRCh37 (hg19) VCF-style: chr5-112102069-C-T.
Other names: c.182C>T, p.Ala61Val (NM_001127510.3, NM_001354895.2, NM_001354896.2 and 16 more transcripts); c.212C>T, p.Ala71Val (NM_001127511.3, NM_001354897.2, NM_001354902.2 and 1 more transcripts); c.107C>T, p.Ala36Val (NM_001354898.2, NM_001354904.2, NM_001407451.1); c.5C>T, p.Ala2Val (NM_001354900.2, NM_001354901.2, NM_001354905.2 and 1 more transcripts); c.-854C>T (NM_001354906.2, NM_001407470.1, NM_001407471.1 and 1 more transcripts); short protein forms A36V, A2V, A61V, A71V.
Identifiers: ClinVar variation 2736082 (VCV002736082.3), dbSNP rs2149784387, ClinGen allele CA16021748.